The following is an entry in ClinVar:

ClinVar aggregate classification (germline): Benign/Likely benign. Review status: criteria provided, multiple submitters, no conflicts (2 of 4 stars). 5 submissions from 5 submitters: Benign (1); Likely benign (3). 1 of the submissions does not count toward it. Last evaluated 2025-10-01.

Conditions:
FH-related disorder. Also called: FH-related disorders; FH-related condition.
Hereditary leiomyomatosis and renal cell cancer. Also called: MULTIPLE CUTANEOUS AND UTERINE LEIOMYOMATA 1, WITH OR WITHOUT RENAL CELL CARCINOMA; Reed syndrome; Multiple cutaneous and uterine leiomyomatosis; Cutaneous leiomyomata with uterine leiomyomata; Leiomyoma, hereditary multiple, of skin; Multiple cutaneous and uterine leiomyomata. Identifiers: Orphanet 523, MedGen C1708350, MONDO:0007888, OMIM 150800, HP:0007437. Disease mechanism: loss of function.
Hereditary cancer-predisposing syndrome. Also called: Neoplastic Syndromes, Hereditary; Hereditary Cancer Syndrome; Tumor predisposition; Hereditary neoplastic syndrome. Identifiers: Orphanet 140162, MedGen C0027672, MeSH D009386, MONDO:0015356.

Allele frequency attached by ClinVar (database versions not stated): TOPMed 0.00001.
gnomAD v4.1: 2 of 1,546,794 alleles (0.00013%); highest among the groups gnomAD compares: Admixed American, 0.0039%; no homozygotes.

Submissions (5):

CeGaT Center for Human Genetics Tuebingen
Classification: Likely benign. Last evaluated: 2025-10-01. Review status: criteria provided, single submitter. Criteria: CeGaT Center For Human Genetics Tuebingen Variant Classification Criteria Version 2. Collection method: clinical testing. Allele origin: germline. Affected: yes. Observed: 1 variant allele.
Comment: FH: BP4, BP7

Labcorp Genetics (formerly Invitae), Labcorp
Classification: Likely benign. Last evaluated: 2025-03-01. Review status: criteria provided, single submitter. Criteria: Invitae Variant Classification Sherloc (09022015). Collection method: clinical testing. Allele origin: germline.

Myriad Genetics, Inc.
Classification: Benign for Hereditary leiomyomatosis and renal cell cancer. Last evaluated: 2024-10-17. Review status: criteria provided, single submitter. Criteria: Myriad Autosomal Dominant, Autosomal Recessive and X-Linked Classification Criteria (2023). Collection method: clinical testing. Allele origin: unknown.
Comment: This variant is considered benign. This variant is a silent/synonymous amino acid change and it is not expected to impact splicing.

Ambry Genetics
Classification: Likely benign for Hereditary cancer-predisposing syndrome. Last evaluated: 2024-01-21. Review status: criteria provided, single submitter. Criteria: Ambry Variant Classification Scheme 2023. Collection method: clinical testing. Allele origin: germline.

PreventionGenetics, part of Exact Sciences
Classification: Likely benign for FH-related condition. Last evaluated: 2022-10-18. Review status: no assertion criteria provided. Collection method: clinical testing. Allele origin: germline. Not counted in ClinVar's aggregate classification.
Comment: This variant is classified as likely benign based on ACMG/AMP sequence variant interpretation guidelines (Richards et al. 2015 PMID: 25741868, with internal and published modifications).

NM_000143.4(FH):c.33G>A (p.Ser11=)

Gene: FH (fumarate hydratase; minus strand). Cytogenetic location: 1q43.
Variant type: single nucleotide variant.
Coding change: c.33G>A on transcript NM_000143.4 (MANE Select); coding-DNA position 33, G replaced by A.
Protein change: p.Ser11=; no amino-acid change (serine 11 retained).
Molecular consequence: synonymous variant.
Genome position (GRCh38, 1-based): chr1:241,519,690, C>T on the plus strand (G>A on the coding strand, the complement: FH is on the minus strand). VCF-style: chr1-241519690-C-T. GRCh37 (hg19) VCF-style: chr1-241682990-C-T.
Identifiers: ClinVar variation 529834 (VCV000529834.22), dbSNP rs200542051, ClinGen allele CA1478784.